The following is an entry in ClinVar:

NM_005450.6(NOG):c.613T>C (p.Trp205Arg)

Gene: NOG (noggin; plus strand). Cytogenetic location: 17q22.
Variant type: single nucleotide variant.
Coding change: c.613T>C on transcript NM_005450.6 (MANE Select); coding-DNA position 613, T replaced by C.
Protein change: p.Trp205Arg; replaces tryptophan 205 with arginine.
Molecular consequence: missense variant.
Genome position (GRCh38, 1-based): chr17:56,594,836, T>C. VCF-style: chr17-56594836-T-C. GRCh37 (hg19) VCF-style: chr17-54672197-T-C.
Other names: short protein forms W205R.
Identifiers: ClinVar variation 2647949 (VCV002647949.24), dbSNP rs2545137908, ClinGen allele CA399966708.

ClinVar aggregate classification (germline): Likely pathogenic (1 of 4 stars; one submission).

Allele frequency attached by ClinVar (database versions not stated): gnomAD exomes below 0.00001.

Submission:

CeGaT Center for Human Genetics Tuebingen
Classification: Likely pathogenic. Last evaluated: 2023-10-01. Review status: criteria provided, single submitter. Criteria: CeGaT Center For Human Genetics Tuebingen Variant Classification Criteria Version 2. Collection method: clinical testing. Allele origin: germline. Affected: yes. Observed: 1 variant allele.
Comment: NOG: PM1, PM2, PM5, PP3